The following is an entry in ClinVar:

NM_000027.4(AGA):c.55G>A (p.Ala19Thr)

Gene: AGA (aspartylglucosaminidase; minus strand). Cytogenetic location: 4q34.3.
Variant type: single nucleotide variant.
Coding change: c.55G>A on transcript NM_000027.4 (MANE Select); coding-DNA position 55, G replaced by A.
Protein change: p.Ala19Thr; replaces alanine 19 with threonine.
Molecular consequence: missense variant. On other transcripts: non-coding transcript variant (1).
Genome position (GRCh38, 1-based): chr4:177,442,321, C>T on the plus strand (G>A on the coding strand, the complement: AGA is on the minus strand). VCF-style: chr4-177442321-C-T. GRCh37 (hg19) VCF-style: chr4-178363475-C-T.
Other names: c.55G>A, p.Ala19Thr (NM_001171988.2); short protein forms A19T.
Identifiers: ClinVar variation 1703080 (VCV001703080.3), dbSNP rs1454861916, ClinGen allele CA358785120.

ClinVar aggregate classification (germline): Uncertain significance (1 of 4 stars; one submission).

Allele frequency attached by ClinVar (database versions not stated): gnomAD exomes below 0.00001; TOPMed below 0.00001; gnomAD 0.00001.
gnomAD v4.1: 3 of 1,614,006 alleles (0.00019%); highest among the groups gnomAD compares: African/African-American, 0.004%; no homozygotes.

Submission:

Greenwood Genetic Center Diagnostic Laboratories, Greenwood Genetic Center
Classification: Uncertain significance. Last evaluated: 2022-05-31. Review status: criteria provided, single submitter. Criteria: ACMG Guidelines, 2015. Collection method: clinical testing. Allele origin: germline. Affected: yes.
Comment: PM2